The following is an entry in ClinVar:

ClinVar aggregate classification (germline): Pathogenic (1 of 4 stars; one submission).

Submission:

Labcorp Genetics (formerly Invitae), Labcorp
Classification: Pathogenic. Last evaluated: 2024-01-21. Review status: criteria provided, single submitter. Criteria: Invitae Variant Classification Sherloc (09022015). Collection method: clinical testing. Allele origin: germline.
Comment: This sequence change creates a premature translational stop signal (p.Ala597Glyfs*18) in the HPS6 gene. While this is not anticipated to result in nonsense mediated decay, it is expected to disrupt the last 179 amino acid(s) of the HPS6 protein. This variant is not present in population databases (gnomAD no frequency). This variant has not been reported in the literature in individuals affected with HPS6-related conditions. This variant disrupts a region of the HPS6 protein in which other variant(s) (p.Gln680*) have been determined to be pathogenic (PMID: 27225848). This suggests that this is a clinically significant region of the protein, and that variants that disrupt it are likely to be disease-causing. For these reasons, this variant has been classified as Pathogenic.

Literature cited by the submitters: PubMed 27225848.

NM_024747.6(HPS6):c.1789dup (p.Ala597fs)

Gene: HPS6 (HPS6 biogenesis of lysosomal organelles complex 2 subunit 3; plus strand). Cytogenetic location: 10q24.32.
Variant type: Duplication.
Coding change: c.1789dup on transcript NM_024747.6 (MANE Select); coding-DNA position 1789, one base duplicated (G; older notation c.1789dupG).
Protein change: p.Ala597fs; shifts the reading frame from alanine 597.
Molecular consequence: frameshift variant.
Genome position (GRCh38, 1-based): chr10:102,067,263, G duplicated; the last of 6 consecutive G bases (chr10:102,067,258-102,067,263); duplicating any one gives the same sequence. VCF-style (leftmost placement, unchanged base first): chr10-102067257-T-TG. GRCh37 (hg19) VCF-style: chr10-103827014-T-TG.
Other names: short protein forms A597fs.
Identifiers: ClinVar variation 2875214 (VCV002875214.4), dbSNP rs1383241620, ClinGen allele CA471011118.